The following is an entry in ClinVar:

NM_006648.4(WNK2):c.5000C>G (p.Ser1667Cys)

Gene: WNK2 (WNK lysine deficient protein kinase 2; plus strand). Cytogenetic location: 9q22.31.
Variant type: single nucleotide variant.
Coding change: c.5000C>G on transcript NM_006648.4 (MANE Select); coding-DNA position 5000, C replaced by G.
Protein change: p.Ser1667Cys; replaces serine 1667 with cysteine.
Molecular consequence: missense variant.
Genome position (GRCh38, 1-based): chr9:93,292,371, C>G. VCF-style: chr9-93292371-C-G. GRCh37 (hg19) VCF-style: chr9-96054653-C-G.
Other names: c.5111C>G, p.Ser1704Cys (NM_001282394.3); short protein forms S1667C, S1704C.
Identifiers: ClinVar variation 4844925 (VCV004844925.1).

ClinVar aggregate classification (germline): Uncertain significance (1 of 4 stars; one submission).

Submission:

Ambry Genetics
Classification: Uncertain significance. Last evaluated: 2026-02-22. Review status: criteria provided, single submitter. Criteria: Ambry Variant Classification Scheme 2023. Collection method: clinical testing. Allele origin: germline.
Comment: The p.S1667C variant (also known as c.5000C>G), located in coding exon 21 of the WNK2 gene, results from a C to G substitution at nucleotide position 5000. The serine at codon 1667 is replaced by cysteine, an amino acid with dissimilar properties. This amino acid position is conserved. In addition, this alteration is predicted to be tolerated by in silico analysis. Based on the available evidence, the clinical significance of this variant remains unclear.